The following is an entry in ClinVar:

ClinVar aggregate classification (germline): Likely benign (0 of 4 stars; one submission).

Conditions:
NCAPH-related disorder. Also called: NCAPH-related condition.

Allele frequency attached by ClinVar (database versions not stated): gnomAD exomes 0.00034; gnomAD 0.00076; TOPMed 0.00090; ExAC 0.00228; 1000 Genomes Project 30x 0.00328; 1000 Genomes Project 0.00399.
gnomAD v4.1: 736 of 1,498,214 alleles (0.049%); highest among the groups gnomAD compares: East Asian, 1.4%; 15 homozygotes.

Submission:

PreventionGenetics, part of Exact Sciences
Classification: Likely benign for NCAPH-related condition. Last evaluated: 2019-02-22. Review status: no assertion criteria provided. Collection method: clinical testing. Allele origin: germline.
Comment: This variant is classified as likely benign based on ACMG/AMP sequence variant interpretation guidelines (Richards et al. 2015 PMID: 25741868, with internal and published modifications).

NM_015341.5(NCAPH):c.-1G>A

Gene: NCAPH (non-SMC condensin I complex subunit H; plus strand). Cytogenetic location: 2q11.2.
Variant type: single nucleotide variant.
Coding change: c.-1G>A on transcript NM_015341.5 (MANE Select); 1 bases upstream of the start codon, G replaced by A.
Molecular consequence: 5 prime UTR variant.
Genome position (GRCh38, 1-based): chr2:96,335,829, G>A. VCF-style: chr2-96335829-G-A. GRCh37 (hg19) VCF-style: chr2-97001567-G-A.
Other names: c.-1G>A (NM_001281710.2, NM_001281711.2); c.-156G>A (NM_001281712.2).
Identifiers: ClinVar variation 3035844 (VCV003035844.2), dbSNP rs369670146, ClinGen allele CA1779687.